The following is an entry in ClinVar:

NM_002335.4(LRP5):c.3867G>C (p.Gln1289His)

Gene: LRP5 (LDL receptor related protein 5; plus strand). Cytogenetic location: 11q13.2.
Variant type: single nucleotide variant.
Coding change: c.3867G>C on transcript NM_002335.4 (MANE Select); coding-DNA position 3867, G replaced by C.
Protein change: p.Gln1289His; replaces glutamine 1289 with histidine.
Molecular consequence: missense variant.
Genome position (GRCh38, 1-based): chr11:68,433,705, G>C. VCF-style: chr11-68433705-G-C. GRCh37 (hg19) VCF-style: chr11-68201173-G-C.
Other names: c.2124G>C, p.Gln708His (NM_001291902.2); short protein forms Q708H, Q1289H.
Identifiers: ClinVar variation 4690371 (VCV004690371.1).
Genomic context (GRCh38, chr11:68,433,705, plus strand): 5'-GGAGATCGACTGTATCCCCGGGGCCTGGCGCTGTGACGGCTTTCCCGAGTGCGATGACCA[G>C]AGCGACGAGGAGGGCTGCCCCGTGTGCTCCGCCGCCCAGTTCCCCTGCGCGCGGGGTCAG-3'
Protein context (NP_002326.2, residues 1279-1299): RCDGFPECDD[Gln1289His]SDEEGCPVCS

ClinVar aggregate classification (germline): Uncertain significance (1 of 4 stars; one submission).

gnomAD v4.1: 1 of 1,613,118 alleles (0.000062%); highest among the groups gnomAD compares: East Asian, 0.0022%; no homozygotes.

Submission:

Labcorp Genetics (formerly Invitae), Labcorp
Classification: Uncertain significance. Last evaluated: 2025-02-10. Review status: criteria provided, single submitter. Criteria: Invitae Variant Classification Sherloc (09022015). Collection method: clinical testing. Allele origin: germline.
Comment: This sequence change replaces glutamine, which is neutral and polar, with histidine, which is basic and polar, at codon 1289 of the LRP5 protein (p.Gln1289His). This variant is not present in population databases (gnomAD no frequency). This variant has not been reported in the literature in individuals affected with LRP5-related conditions. Invitae Evidence Modeling of protein sequence and biophysical properties (such as structural, functional, and spatial information, amino acid conservation, physicochemical variation, residue mobility, and thermodynamic stability) indicates that this missense variant is not expected to disrupt LRP5 protein function with a negative predictive value of 95%. In summary, the available evidence is currently insufficient to determine the role of this variant in disease. Therefore, it has been classified as a Variant of Uncertain Significance.